The following is an entry in ClinVar:

ClinVar aggregate classification (germline): Pathogenic (1 of 4 stars; one submission).

Conditions:
Familial adenomatous polyposis 1 (FAP1). Also called: POLYPOSIS, ADENOMATOUS INTESTINAL; FAMILIAL ADENOMATOUS POLYPOSIS 1, ATTENUATED. Identifiers: MedGen C2713442, MONDO:0021056, OMIM 175100. Disease mechanism: loss of function.

Submission:

Labcorp Genetics (formerly Invitae), Labcorp
Classification: Pathogenic for Familial adenomatous polyposis 1. Last evaluated: 2019-09-30. Review status: criteria provided, single submitter. Criteria: Invitae Variant Classification Sherloc (09022015). Collection method: clinical testing. Allele origin: germline.
Comment: For these reasons, this variant has been classified as Pathogenic. Loss-of-function variants in APC are known to be pathogenic (PMID: 17963004, 20685668). This variant has been observed in individuals affected with familial adenomatous polyposis (PMID: 15952110, 20685668). This variant is not present in population databases (ExAC no frequency). This sequence change creates a premature translational stop signal (p.Phe123Leufs*2) in the APC gene. It is expected to result in an absent or disrupted protein product.

Literature cited by the submitters: PubMed 17963004; PubMed 20685668; PubMed 15952110.

NM_000038.6(APC):c.366del (p.Phe123fs)

Gene: APC (APC regulator of Wnt signaling pathway; plus strand). Cytogenetic location: 5q22.2.
Variant type: Deletion.
Coding change: c.366del on transcript NM_000038.6 (MANE Select); coding-DNA position 366, one base deleted (G; older notation c.366delG).
Protein change: p.Phe123fs; shifts the reading frame from phenylalanine 123.
Molecular consequence: frameshift variant. On other transcripts: 5 prime UTR variant (1).
Genome position (GRCh38, 1-based): chr5:112,767,334, G deleted; the last of 3 consecutive G bases (chr5:112,767,332-112,767,334); deleting any one gives the same sequence. VCF-style (leftmost placement, unchanged base first): chr5-112767331-AG-A. GRCh37 (hg19) VCF-style: chr5-112103028-AG-A.
Other names: c.366del (NM_000038.5); c.366del, p.Phe123fs (NM_001127510.3, NM_001354895.2, NM_001354896.2 and 2 more transcripts); c.396del, p.Phe133fs (NM_001127511.3, NM_001354897.2, NM_001354902.2); c.291del, p.Phe98fs (NM_001354898.2, NM_001354904.2); c.189del, p.Phe64fs (NM_001354900.2, NM_001354901.2, NM_001354905.2); c.-670del (NM_001354906.2); short protein forms F123fs, F64fs, F98fs, F133fs.
Identifiers: ClinVar variation 658616 (VCV000658616.12), dbSNP rs1580329260, ClinGen allele CA658760412.
Genomic context (GRCh38, chr5:112,767,331, plus strand): 5'-ATCTGTATCAAGCCGTTCTGGAGAGTGCAGTCCTGTTCCTATGGGTTCATTTCCAAGAAG[AG>A]GGTTTGTAAATGGAAGCAGAGAAAGTACTGGATATTTAGAAGAACTTGAGAAAGAGAGGT-3'